The following is an entry in ClinVar:

NM_147127.5(EVC2):c.520-2A>T

Gene: EVC2 (EvC ciliary complex subunit 2; minus strand). Cytogenetic location: 4p16.2.
Variant type: single nucleotide variant.
Coding change: c.520-2A>T on transcript NM_147127.5 (MANE Select); the canonical splice acceptor site of the intron before coding-DNA position 520, A replaced by T.
Molecular consequence: splice acceptor variant.
Genome position (GRCh38, 1-based): chr4:5,689,345, T>A on the plus strand (A>T on the coding strand, the complement: EVC2 is on the minus strand). VCF-style: chr4-5689345-T-A. GRCh37 (hg19) VCF-style: chr4-5691072-T-A.
Other names: c.280-2A>T (NM_001166136.2).
Identifiers: ClinVar variation 2949448 (VCV002949448.3), dbSNP rs2475591881, ClinGen allele CA356148797.

ClinVar aggregate classification (germline): Likely pathogenic (1 of 4 stars; one submission).

Conditions:
Curry-Hall syndrome (WAD). Also called: WEYERS ACRODENTAL DYSOSTOSIS. Identifiers: Orphanet 952, MedGen C0457013, MONDO:0008673, OMIM 193530.
Ellis-van Creveld syndrome (EVC). Also called: EVC-Related Ellis-van Creveld Syndrome; EVC2-Related Ellis-van Creveld Syndrome; MESOECTODERMAL DYSPLASIA; Chondroectodermal dysplasia. Identifiers: Orphanet 289, MedGen C0013903, MONDO:0009162, OMIM 225500.

Submission:

Labcorp Genetics (formerly Invitae), Labcorp
Classification: Likely pathogenic for Curry-Hall syndrome; Ellis-van Creveld syndrome. Last evaluated: 2023-06-29. Review status: criteria provided, single submitter. Criteria: Invitae Variant Classification Sherloc (09022015). Collection method: clinical testing. Allele origin: germline.
Comment: In summary, the currently available evidence indicates that the variant is pathogenic, but additional data are needed to prove that conclusively. Therefore, this variant has been classified as Likely Pathogenic. Algorithms developed to predict the effect of sequence changes on RNA splicing suggest that this variant may disrupt the consensus splice site. This variant has not been reported in the literature in individuals affected with EVC2-related conditions. This variant is not present in population databases (gnomAD no frequency). This sequence change affects an acceptor splice site in intron 4 of the EVC2 gene. It is expected to disrupt RNA splicing. Variants that disrupt the donor or acceptor splice site typically lead to a loss of protein function (PMID: 16199547), and loss-of-function variants in EVC2 are known to be pathogenic (PMID: 17024374, 19810119, 19876929).

Literature cited by the submitters: PubMed 16199547; PubMed 17024374; PubMed 19810119; PubMed 19876929.